The following is an entry in ClinVar:

NM_003737.4(DCHS1):c.439C>T (p.Arg147Trp)

Gene: DCHS1 (dachsous cadherin-related 1; minus strand). Cytogenetic location: 11p15.4.
Variant type: single nucleotide variant.
Coding change: c.439C>T on transcript NM_003737.4 (MANE Select); coding-DNA position 439, C replaced by T.
Protein change: p.Arg147Trp; replaces arginine 147 with tryptophan.
Molecular consequence: missense variant.
Genome position (GRCh38, 1-based): chr11:6,641,175, G>A on the plus strand (C>T on the coding strand, the complement: DCHS1 is on the minus strand). VCF-style: chr11-6641175-G-A. GRCh37 (hg19) VCF-style: chr11-6662406-G-A.
Other names: short protein forms R147W.
Identifiers: ClinVar variation 1918797 (VCV001918797.5), dbSNP rs962936794, ClinGen allele CA217303520.

ClinVar aggregate classification (germline): Uncertain significance (1 of 4 stars; one submission).

Allele frequency attached by ClinVar (database versions not stated): gnomAD exomes below 0.00001.
gnomAD v4.1: 6 of 1,613,570 alleles (0.00037%); highest among the groups gnomAD compares: Non-Finnish European, 0.00051%; no homozygotes.

Submission:

Labcorp Genetics (formerly Invitae), Labcorp
Classification: Uncertain significance. Last evaluated: 2022-06-20. Review status: criteria provided, single submitter. Criteria: Invitae Variant Classification Sherloc (09022015). Collection method: clinical testing. Allele origin: germline.
Comment: This sequence change replaces arginine, which is basic and polar, with tryptophan, which is neutral and slightly polar, at codon 147 of the DCHS1 protein (p.Arg147Trp). This variant is not present in population databases (gnomAD no frequency). This missense change has been observed in individual(s) with mitral valve prolapse (PMID: 32277046). Advanced modeling of protein sequence and biophysical properties (such as structural, functional, and spatial information, amino acid conservation, physicochemical variation, residue mobility, and thermodynamic stability) performed at Invitae indicates that this missense variant is not expected to disrupt DCHS1 protein function. In summary, the available evidence is currently insufficient to determine the role of this variant in disease. Therefore, it has been classified as a Variant of Uncertain Significance.

Literature cited by the submitters: PubMed 32277046.